The following is an entry in ClinVar:

ClinVar aggregate classification (germline): Benign. Review status: criteria provided, multiple submitters, no conflicts (2 of 4 stars). 3 submissions from 3 submitters: Benign (2). 1 of the submissions does not count toward it. Last evaluated 2018-10-29.

Conditions:
ADAT3-related disorder. Also called: ADAT3-related condition.

Allele frequency attached by ClinVar (database versions not stated): ESP Exome Variant Server 0.17341; gnomAD 0.19303 and 0.19336; TOPMed 0.19558; 1000 Genomes Project 0.23702; 1000 Genomes Project 30x 0.24266.
gnomAD v4.1: 217,427 of 1,609,012 alleles (14%); highest among the groups gnomAD compares: African/African-American, 31%; 18,045 homozygotes.

Submissions (3):

GeneDx
Classification: Benign. Last evaluated: 2018-10-29. Review status: criteria provided, single submitter. Criteria: GeneDx Variant Classification Process June 2021. Collection method: clinical testing. Allele origin: germline. Affected: yes.

Breakthrough Genomics
Classification: Benign. Review status: criteria provided, single submitter. Criteria: ACMG Guidelines, 2015. Collection method: not provided. Allele origin: germline. Inheritance: Autosomal recessive inheritance. Affected: yes.

PreventionGenetics, part of Exact Sciences
Classification: Benign for ADAT3-related condition. Last evaluated: 2019-09-24. Review status: no assertion criteria provided. Collection method: clinical testing. Allele origin: germline. Not counted in ClinVar's aggregate classification.
Comment: This variant is classified as benign based on ACMG/AMP sequence variant interpretation guidelines (Richards et al. 2015 PMID: 25741868, with internal and published modifications).

NM_138422.4(ADAT3):c.940C>T (p.Leu314=)

Genes: ADAT3 (adenosine deaminase tRNA specific 3; plus strand), SCAMP4 (secretory carrier membrane protein 4; plus strand). Cytogenetic location: 19p13.3.
Variant type: single nucleotide variant.
Coding change: c.940C>T on transcript NM_138422.4 (MANE Select); coding-DNA position 940, C replaced by T.
Protein change: p.Leu314=; no amino-acid change (leucine 314 retained).
Molecular consequence: synonymous variant. On other transcripts: intron variant (3).
Genome position (GRCh38, 1-based): chr19:1,912,987, C>T. VCF-style: chr19-1912987-C-T. GRCh37 (hg19) VCF-style: chr19-1912986-C-T.
Other names: c.892C>T, p.Leu298= (NM_001329533.2); c.-41-1992C>T (NM_079834.4, NM_001329540.2); c.-125-4707C>T (NM_001329539.2).
Identifiers: ClinVar variation 1288534 (VCV001288534.4), dbSNP rs76159002, ClinGen allele CA9054666.